The following is an entry in ClinVar:

ClinVar aggregate classification (germline): Benign/Likely benign. Review status: criteria provided, multiple submitters, no conflicts (2 of 4 stars). 9 submissions from 9 submitters: Benign (4); Likely benign (4). 1 of the submissions does not count toward it. Last evaluated 2026-09-01.

Conditions:
ETFDH-related disorder. Also called: ETFDH-related condition.
Multiple acyl-CoA dehydrogenase deficiency (MADD). Also called: ETHYLMALONIC-ADIPICACIDURIA; GA II; Glutaric acidemia type II; GA 2; Glutaric aciduria, type 2; Glutaric Acidemia type 2. Identifiers: Orphanet 26791, MedGen C0268596, MONDO:0009282, OMIM 231680.

Allele frequency attached by ClinVar (database versions not stated): 1000 Genomes Project 30x 0.00187; 1000 Genomes Project 0.00200; TOPMed 0.00307; ESP Exome Variant Server 0.00438; gnomAD 0.00540 and 0.00552; ExAC 0.00652; gnomAD exomes 0.00657.
gnomAD v4.1: 9,705 of 1,614,166 alleles (0.6%); highest among the groups gnomAD compares: Non-Finnish European, 0.57%; 65 homozygotes.

Submissions (9):

CeGaT Center for Human Genetics Tuebingen
Classification: Likely benign. Last evaluated: 2026-09-01. Review status: criteria provided, single submitter. Criteria: CeGaT Center For Human Genetics Tuebingen Variant Classification Criteria Version 2. Collection method: clinical testing. Allele origin: germline. Affected: yes. Observed: 15 variant alleles.
Comment: ETFDH: BP4, BP7, BS2

Labcorp Genetics (formerly Invitae), Labcorp
Classification: Benign for Multiple acyl-CoA dehydrogenase deficiency. Last evaluated: 2026-02-04. Review status: criteria provided, single submitter. Criteria: Invitae Variant Classification Sherloc (09022015). Collection method: clinical testing. Allele origin: germline.

PreventionGenetics, part of Exact Sciences
Classification: Benign for ETFDH-related condition. Last evaluated: 2025-07-15. Review status: criteria provided, single submitter. Criteria: ACMG Guidelines, 2015. Collection method: clinical testing. Allele origin: germline.
Comment: This variant is classified as benign based on ACMG/AMP sequence variant interpretation guidelines (Richards et al. 2015 PMID: 25741868, with internal and published modifications).

ARUP Laboratories, Molecular Genetics and Genomics, ARUP Laboratories
Classification: Benign for Multiple acyl-CoA dehydrogenase deficiency. Last evaluated: 2025-01-14. Review status: criteria provided, single submitter. Criteria: ARUP Molecular Germline Variant Investigation Process 2024. Collection method: clinical testing. Allele origin: germline.

Fulgent Genetics
Classification: Likely benign for Multiple acyl-CoA dehydrogenase deficiency. Last evaluated: 2021-07-29. Review status: criteria provided, single submitter. Criteria: ACMG Guidelines, 2015. Collection method: clinical testing. Allele origin: unknown.

Illumina Laboratory Services, Illumina
Classification: Likely benign for Multiple acyl-CoA dehydrogenase deficiency. Last evaluated: 2018-01-13. Review status: criteria provided, single submitter. Criteria: ICSL Variant Classification Criteria 13 December 2019. Collection method: clinical testing. Allele origin: germline.
Comment: This variant was observed in the ICSL laboratory as part of a predisposition screen in an ostensibly healthy population. It had not been previously curated by ICSL or reported in the Human Gene Mutation Database (HGMD: prior to June 1st, 2018), and was therefore a candidate for classification through an automated scoring system. Utilizing variant allele frequency, disease prevalence and penetrance estimates, and inheritance mode, an automated score was calculated to assess if this variant is too frequent to cause the disease. Based on the score and internal cut-off values, a variant classified as likely benign is not then subjected to further curation. The score for this variant resulted in a classification of likely benign for this disease.

GeneDx
Classification: Benign. Last evaluated: 2013-12-17. Review status: criteria provided, single submitter. Criteria: GeneDx Variant Classification (06012015). Collection method: clinical testing. Allele origin: germline. Affected: yes.
Comment: This variant is considered likely benign or benign based on one or more of the following criteria: it is a conservative change, it occurs at a poorly conserved position in the protein, it is predicted to be benign by multiple in silico algorithms, and/or has population frequency not consistent with disease.

Breakthrough Genomics
Classification: Likely benign. Review status: criteria provided, single submitter. Criteria: ACMG Guidelines, 2015. Collection method: not provided. Allele origin: germline. Inheritance: Autosomal recessive inheritance. Affected: yes.

Mayo Clinic Laboratories, Mayo Clinic
Classification: Likely benign. Last evaluated: 2017-10-12. Review status: no assertion criteria provided. Collection method: clinical testing. Allele origin: unknown. Not counted in ClinVar's aggregate classification.

NM_004453.4(ETFDH):c.1533T>C (p.Asp511=)

Gene: ETFDH (electron transfer flavoprotein dehydrogenase; plus strand). Cytogenetic location: 4q32.1.
Variant type: single nucleotide variant.
Coding change: c.1533T>C on transcript NM_004453.4 (MANE Select); coding-DNA position 1533, T replaced by C.
Protein change: p.Asp511=; no amino-acid change (aspartic acid 511 retained).
Molecular consequence: synonymous variant.
Genome position (GRCh38, 1-based): chr4:158,706,693, T>C. VCF-style: chr4-158706693-T-C. GRCh37 (hg19) VCF-style: chr4-159627845-T-C.
Other names: p.D511D:GAT>GAC; c.1392T>C, p.Asp464= (NM_001281737.2); c.1350T>C, p.Asp450= (NM_001281738.1).
Identifiers: ClinVar variation 137235 (VCV000137235.56), dbSNP rs77484245, ClinGen allele CA290774.